The following is an entry in ClinVar:

ClinVar aggregate classification (germline): Pathogenic (1 of 4 stars; one submission).

Conditions:
DNA ligase IV deficiency. Identifiers: Orphanet 99812, MedGen C1847827, MONDO:0011686, OMIM 606593.

Submission:

Labcorp Genetics (formerly Invitae), Labcorp
Classification: Pathogenic for DNA ligase IV deficiency. Last evaluated: 2023-10-09. Review status: criteria provided, single submitter. Criteria: Invitae Variant Classification Sherloc (09022015). Collection method: clinical testing. Allele origin: germline.
Comment: This sequence change creates a premature translational stop signal (p.Lys192Argfs*3) in the LIG4 gene. While this is not anticipated to result in nonsense mediated decay, it is expected to disrupt the last 720 amino acid(s) of the LIG4 protein. This variant is not present in population databases (gnomAD no frequency). This variant has not been reported in the literature in individuals affected with LIG4-related conditions. This variant disrupts a region of the LIG4 protein in which other variant(s) (p.Arg814*) have been determined to be pathogenic (PMID: 11779494, 16088910). This suggests that this is a clinically significant region of the protein, and that variants that disrupt it are likely to be disease-causing. For these reasons, this variant has been classified as Pathogenic.

Literature cited by the submitters: PubMed 11779494; PubMed 16088910.

NM_206937.2(LIG4):c.575del (p.Lys192fs)

Gene: LIG4 (DNA ligase 4; minus strand). Cytogenetic location: 13q33.3.
Variant type: Deletion.
Coding change: c.575del on transcript NM_206937.2 (MANE Select); coding-DNA position 575, one base deleted (A; older notation c.575delA).
Protein change: p.Lys192fs; shifts the reading frame from lysine 192.
Molecular consequence: frameshift variant.
Genome position (GRCh38, 1-based): chr13:108,210,694, T deleted on the plus strand (A on the coding strand, the reverse complement: LIG4 is on the minus strand); the first of 3 consecutive T bases (chr13:108,210,694-108,210,696); deleting any one gives the same sequence. VCF-style (leftmost placement, unchanged base first): chr13-108210693-CT-C. GRCh37 (hg19) VCF-style: chr13-108863041-CT-C.
Other names: c.575del, p.Lys192fs (NM_001098268.2, NM_001352598.2, NM_001352599.2 and 6 more transcripts); c.374del, p.Lys125fs (NM_001330595.2); c.611del, p.Lys204fs (NM_001352604.2); short protein forms K192fs, K204fs, K125fs.
Identifiers: ClinVar variation 2763805 (VCV002763805.3), dbSNP rs2501620778, ClinGen allele CA2697549266.